The following is an entry in ClinVar:

NM_001369.3(DNAH5):c.11181_11182insGAGACAGT (p.Leu3728fs)

Gene: DNAH5 (dynein axonemal heavy chain 5; minus strand). Cytogenetic location: 5p15.2.
Variant type: Insertion.
Coding change: c.11181_11182insGAGACAGT on transcript NM_001369.3 (MANE Select); coding-DNA positions 11181 to 11182, GAGACAGT inserted.
Protein change: p.Leu3728fs; shifts the reading frame from leucine 3728.
Molecular consequence: frameshift variant.
Genome position: GRCh38 VCF-style: chr5-13751107-G-GACTGTCTC. GRCh37 (hg19) VCF-style: chr5-13751216-G-GACTGTCTC.
Other names: short protein forms L3728fs.
Identifiers: ClinVar variation 5011586 (VCV005011586.1).

ClinVar aggregate classification (germline): Pathogenic (1 of 4 stars; one submission).

Conditions:
Primary ciliary dyskinesia 3. Identifiers: Orphanet 244, MedGen C1837618, MONDO:0012085, OMIM 608644.

Submission:

Myriad Genetics, Inc.
Classification: Pathogenic for Primary ciliary dyskinesia 3. Last evaluated: 2023-09-06. Review status: criteria provided, single submitter. Criteria: Myriad Autosomal Dominant, Autosomal Recessive and X-Linked Classification Criteria (2023). Collection method: clinical testing. Allele origin: unknown.
Comment: NM_001369.2(DNAH5):c.11181_11182ins8(L3728Efs*22) is expected to be pathogenic in the context of primary ciliary dyskinesia, DNAH5-related. This variant is predicted to lead to an abnormal or absent protein product due to the creation of a premature termination codon in DNAH5, a gene where loss-of-function variants are known to be pathogenic. Please note: this variant was assessed in the context of healthy population screening.